The following is an entry in ClinVar:

NM_138927.4(SON):c.3952T>C (p.Ser1318Pro)

Gene: SON (SON DNA and RNA binding protein; plus strand). Cytogenetic location: 21q22.11.
Variant type: single nucleotide variant.
Coding change: c.3952T>C on transcript NM_138927.4 (MANE Select); coding-DNA position 3952, T replaced by C.
Protein change: p.Ser1318Pro; replaces serine 1318 with proline.
Molecular consequence: missense variant. On other transcripts: non-coding transcript variant (1), intron variant (1).
Genome position (GRCh38, 1-based): chr21:33,553,183, T>C. VCF-style: chr21-33553183-T-C. GRCh37 (hg19) VCF-style: chr21-34925489-T-C.
Other names: c.3952T>C, p.Ser1318Pro (NM_001291411.2, NM_001412133.1, NM_032195.3 and 2 more transcripts); c.245-3973T>C (NM_001291412.3); short protein forms S1318P.
Identifiers: ClinVar variation 2436235 (VCV002436235.5), dbSNP rs746631074, ClinGen allele CA10009405.

ClinVar aggregate classification (germline): Uncertain significance. Review status: criteria provided, multiple submitters, no conflicts (2 of 4 stars). 2 submissions from 2 submitters: Uncertain significance (2). Last evaluated 2024-02-15.

Conditions:
ZTTK syndrome (ZTTKS). Also called: Zhu-Tokita-Takenouchi-Kim Syndrome; ZTTK MULTIPLE CONGENITAL ANOMALIES-MENTAL RETARDATION SYNDROME. Identifiers: Orphanet 500150, MedGen C4310696, MONDO:0014936, OMIM 617140.

Allele frequency attached by ClinVar (database versions not stated): ExAC 0.00001; gnomAD 0.00001; gnomAD exomes 0.00001.
gnomAD v4.1: 4 of 1,614,010 alleles (0.00025%); highest among the groups gnomAD compares: South Asian, 0.0044%; no homozygotes.

Submissions (2):

Labcorp Genetics (formerly Invitae), Labcorp
Classification: Uncertain significance. Last evaluated: 2024-02-15. Review status: criteria provided, single submitter. Criteria: Invitae Variant Classification Sherloc (09022015). Collection method: clinical testing. Allele origin: germline.
Comment: This sequence change replaces serine, which is neutral and polar, with proline, which is neutral and non-polar, at codon 1318 of the SON protein (p.Ser1318Pro). This variant is present in population databases (rs746631074, gnomAD 0.003%). This variant has not been reported in the literature in individuals affected with SON-related conditions. ClinVar contains an entry for this variant (Variation ID: 2436235). Algorithms developed to predict the effect of missense changes on protein structure and function output the following: SIFT: "Not Available"; PolyPhen-2: "Benign"; Align-GVGD: "Not Available". The proline amino acid residue is found in multiple mammalian species, which suggests that this missense change does not adversely affect protein function. In summary, the available evidence is currently insufficient to determine the role of this variant in disease. Therefore, it has been classified as a Variant of Uncertain Significance.

Revvity Omics, Revvity
Classification: Uncertain significance for ZTTK syndrome. Last evaluated: 2020-10-07. Review status: criteria provided, single submitter. Criteria: ACMG Guidelines, 2015. Collection method: clinical testing. Allele origin: germline.